The following is an entry in ClinVar:

ClinVar aggregate classification (germline): Pathogenic/Likely pathogenic. Review status: criteria provided, multiple submitters, no conflicts (2 of 4 stars). 2 submissions from 2 submitters: Pathogenic (1); Likely pathogenic (1). Last evaluated 2023-12-18.

Conditions:
CEP152-related disorder. Also called: CEP152-related disorders; CEP152-related condition. Identifiers: MedGen CN239248.

Submissions (2):

Labcorp Genetics (formerly Invitae), Labcorp
Classification: Pathogenic. Last evaluated: 2023-12-18. Review status: criteria provided, single submitter. Criteria: Invitae Variant Classification Sherloc (09022015). Collection method: clinical testing. Allele origin: germline.
Comment: This sequence change creates a premature translational stop signal (p.Leu226*) in the CEP152 gene. It is expected to result in an absent or disrupted protein product. Loss-of-function variants in CEP152 are known to be pathogenic (PMID: 21131973). This variant is present in population databases (rs757108755, gnomAD 0.004%). This variant has not been reported in the literature in individuals affected with CEP152-related conditions. For these reasons, this variant has been classified as Pathogenic.

Blueprint Genetics
Classification: Likely pathogenic for CEP152-related disorders. Last evaluated: 2022-03-22. Review status: criteria provided, single submitter. Criteria: ACMG Guidelines, 2015. Collection method: clinical testing. Allele origin: germline. Affected: yes. Observed: 2 variant alleles.

Literature cited by the submitters: PubMed 21131973 (cited by Labcorp Genetics (formerly Invitae), Labcorp).

NM_001194998.2(CEP152):c.677del (p.Phe225_Leu226insTer)

Gene: CEP152 (centrosomal protein 152; minus strand). Cytogenetic location: 15q21.1.
Variant type: Deletion.
Coding change: c.677del on transcript NM_001194998.2 (MANE Select); coding-DNA position 677, one base deleted (T; older notation c.677delT).
Protein change: p.Phe225_Leu226insTer.
Molecular consequence: nonsense.
Genome position (GRCh38, 1-based): chr15:48,796,024, A deleted on the plus strand (T on the coding strand, the reverse complement: CEP152 is on the minus strand); the first of 5 consecutive A bases (chr15:48,796,024-48,796,028); deleting any one gives the same sequence. VCF-style (leftmost placement, unchanged base first): chr15-48796023-TA-T. GRCh37 (hg19) VCF-style: chr15-49088220-TA-T.
Other names: c.677del, p.Phe225_Leu226insTer (NM_014985.4).
Identifiers: ClinVar variation 2803676 (VCV002803676.4), dbSNP rs757108755, ClinGen allele CA7549064.